The following is an entry in ClinVar:

NM_001005242.3(PKP2):c.1379-2040A>G

Gene: PKP2 (plakophilin 2; minus strand). Cytogenetic location: 12p11.21.
Variant type: single nucleotide variant.
Coding change: c.1379-2040A>G on transcript NM_001005242.3 (MANE Select); 2040 bases into the intron before coding-DNA position 1379, A replaced by G.
Molecular consequence: intron variant. On other transcripts: missense variant (2).
Genome position (GRCh38, 1-based): chr12:32,843,245, T>C on the plus strand (A>G on the coding strand, the complement: PKP2 is on the minus strand). VCF-style: chr12-32843245-T-C. GRCh37 (hg19) VCF-style: chr12-32996179-T-C.
Other names: c.1447A>G, p.Thr483Ala (NM_001407157.1, NM_004572.4); short protein forms T483A.
Identifiers: ClinVar variation 2174649 (VCV002174649.4), dbSNP rs2541270263, ClinGen allele CA384368667.

ClinVar aggregate classification (germline): Uncertain significance (1 of 4 stars; one submission).

Conditions:
Arrhythmogenic right ventricular dysplasia 9 (ARVD9). Also called: Arrhythmogenic Right Ventricular Dysplasia/Cardiomyopathy 9; ARRHYTHMOGENIC RIGHT VENTRICULAR DYSPLASIA, FAMILIAL, 9. Identifiers: MedGen C1836906, MONDO:0012180, OMIM 609040.

Submission:

Labcorp Genetics (formerly Invitae), Labcorp
Classification: Uncertain significance for Arrhythmogenic right ventricular dysplasia 9. Last evaluated: 2022-07-09. Review status: criteria provided, single submitter. Criteria: Invitae Variant Classification Sherloc (09022015). Collection method: clinical testing. Allele origin: germline.
Comment: This variant has not been reported in the literature in individuals affected with PKP2-related conditions. This sequence change replaces threonine, which is neutral and polar, with alanine, which is neutral and non-polar, at codon 483 of the PKP2 protein (p.Thr483Ala). This variant is not present in population databases (gnomAD no frequency). Algorithms developed to predict the effect of missense changes on protein structure and function are either unavailable or do not agree on the potential impact of this missense change (SIFT: "Deleterious"; PolyPhen-2: "Benign"; Align-GVGD: "Class C0"). In summary, the available evidence is currently insufficient to determine the role of this variant in disease. Therefore, it has been classified as a Variant of Uncertain Significance.